The following is an entry in ClinVar:

ClinVar aggregate classification (germline): Uncertain significance. Review status: criteria provided, multiple submitters, no conflicts (2 of 4 stars). 2 submissions from 2 submitters: Uncertain significance (2). Last evaluated 2026-01-04.

Conditions:
Hereditary cancer-predisposing syndrome. Also called: Neoplastic Syndromes, Hereditary; Tumor predisposition; Hereditary Cancer Syndrome; Hereditary neoplastic syndrome. Identifiers: Orphanet 140162, MedGen C0027672, MeSH D009386, MONDO:0015356.
Gorlin syndrome. Also called: Nevoid Basal Cell Carcinoma Syndrome; Basal cell nevus syndrome. Identifiers: Orphanet 377, MedGen C0004779, MONDO:0007187.

Submissions (2):

Labcorp Genetics (formerly Invitae), Labcorp
Classification: Uncertain significance for Gorlin syndrome. Last evaluated: 2026-01-04. Review status: criteria provided, single submitter. Criteria: Invitae Variant Classification Sherloc (09022015). Collection method: clinical testing. Allele origin: germline.
Comment: This sequence change replaces proline, which is neutral and non-polar, with serine, which is neutral and polar, at codon 309 of the PTCH1 protein (p.Pro309Ser). This variant is not present in population databases (gnomAD no frequency). This variant has not been reported in the literature in individuals affected with PTCH1-related conditions. ClinVar contains an entry for this variant (Variation ID: 4146888). Invitae Evidence Modeling of protein sequence and biophysical properties (such as structural, functional, and spatial information, amino acid conservation, physicochemical variation, residue mobility, and thermodynamic stability) has been performed for this missense variant. However, the output from this modeling did not meet the statistical confidence thresholds required to predict the impact of this variant on PTCH1 protein function. In summary, the available evidence is currently insufficient to determine the role of this variant in disease. Therefore, it has been classified as a Variant of Uncertain Significance.

Ambry Genetics
Classification: Uncertain significance for Hereditary cancer-predisposing syndrome. Last evaluated: 2025-09-05. Review status: criteria provided, single submitter. Criteria: Ambry Variant Classification Scheme 2023. Collection method: clinical testing. Allele origin: germline.
Comment: The p.P309S variant (also known as c.925C>T), located in coding exon 6 of the PTCH1 gene, results from a C to T substitution at nucleotide position 925. The proline at codon 309 is replaced by serine, an amino acid with similar properties. This amino acid position is highly conserved in available vertebrate species. In addition, this alteration is predicted to be deleterious by in silico analysis. Based on the available evidence, the clinical significance of this variant remains unclear.

NM_000264.5(PTCH1):c.925C>T (p.Pro309Ser)

Gene: PTCH1 (patched 1; minus strand). Cytogenetic location: 9q22.32.
Variant type: single nucleotide variant.
Coding change: c.925C>T on transcript NM_000264.5 (MANE Select); coding-DNA position 925, C replaced by T.
Protein change: p.Pro309Ser; replaces proline 309 with serine.
Molecular consequence: missense variant. On other transcripts: non-coding transcript variant (1).
Genome position (GRCh38, 1-based): chr9:95,480,410, G>A on the plus strand (C>T on the coding strand, the complement: PTCH1 is on the minus strand). VCF-style: chr9-95480410-G-A. GRCh37 (hg19) VCF-style: chr9-98242692-G-A.
Other names: c.727C>T, p.Pro243Ser (NM_001083602.3); c.922C>T, p.Pro308Ser (NM_001083603.3); c.472C>T, p.Pro158Ser (NM_001083604.3, NM_001083605.3, NM_001083606.3 and 1 more transcripts); c.925C>T, p.Pro309Ser (NM_001354918.2); short protein forms P158S, P243S, P308S, P309S.
Identifiers: ClinVar variation 4146888 (VCV004146888.2).
Genomic context (GRCh38, chr9:95,480,410, plus strand): 5'-GCTCTCCACCCTTCTGAGAGCGCTCACTGCTGGTACTCACTTTGGTTGAATTTTTGTTGG[G>A]GGCTGTGGCGGGGCAGTCTGGATCGGCCGGATTGAGGCAGGGGCGGTCCATGTAACCATG-3'
Protein context (NP_000255.2, residues 299-319): PADPDCPATA[Pro309Ser]NKNSTKPLDM